The following is an entry in ClinVar:

ClinVar aggregate classification (germline): Uncertain significance (1 of 4 stars; one submission).

Conditions:
Inborn genetic diseases. Identifiers: MedGen C0950123, MeSH D030342.

Submission:

Ambry Genetics
Classification: Uncertain significance for Inborn genetic diseases. Last evaluated: 2025-02-08. Review status: criteria provided, single submitter. Criteria: Ambry Variant Classification Scheme 2023. Collection method: clinical testing. Allele origin: germline.
Comment: The p.L720R variant (also known as c.2159T>G), located in coding exon 13 of the RECQL4 gene, results from a T to G substitution at nucleotide position 2159. The leucine at codon 720 is replaced by arginine, an amino acid with dissimilar properties. This amino acid position is conserved. In addition, this alteration is predicted to be deleterious by in silico analysis. Based on the available evidence, the clinical significance of this variant remains unclear.

NM_004260.4(RECQL4):c.2159T>G (p.Leu720Arg)

Gene: RECQL4 (RecQ like helicase 4; minus strand). Cytogenetic location: 8q24.3.
Variant type: single nucleotide variant.
Coding change: c.2159T>G on transcript NM_004260.4 (MANE Select); coding-DNA position 2159, T replaced by G.
Protein change: p.Leu720Arg; replaces leucine 720 with arginine.
Molecular consequence: missense variant. On other transcripts: non-coding transcript variant (2).
Genome position (GRCh38, 1-based): chr8:144,513,612, A>C on the plus strand (T>G on the coding strand, the complement: RECQL4 is on the minus strand). VCF-style: chr8-144513612-A-C. GRCh37 (hg19) VCF-style: chr8-145738996-A-C.
Other names: c.2063T>G, p.Leu688Arg (NM_001413017.1, NM_001413020.1); c.2159T>G, p.Leu720Arg (NM_001413018.1, NM_001413019.1, NM_001413036.1); c.1088T>G, p.Leu363Arg (NM_001413021.1, NM_001413022.1, NM_001413023.1 and 6 more transcripts); c.2030T>G, p.Leu677Arg (NM_001413025.1); c.1022T>G, p.Leu341Arg (NM_001413027.1, NM_001413030.1, NM_001413032.1 and 1 more transcripts); c.1808T>G, p.Leu603Arg (NM_001413029.1); c.890T>G, p.Leu297Arg (NM_001413031.1); c.2027T>G, p.Leu676Arg (NM_001413033.1); and 4 more; short protein forms L677R, L720R, L231R, L319R, L341R, L676R, L353R, L363R.
Identifiers: ClinVar variation 3788030 (VCV003788030.1).